The following is an entry in ClinVar:

ClinVar aggregate classification (germline): Uncertain significance. Review status: criteria provided, multiple submitters, no conflicts (2 of 4 stars). 2 submissions from 2 submitters: Uncertain significance (2). Last evaluated 2025-03-09.

Conditions:
Hereditary cancer-predisposing syndrome. Also called: Hereditary Cancer Syndrome; Hereditary neoplastic syndrome; Tumor predisposition; Neoplastic Syndromes, Hereditary. Identifiers: Orphanet 140162, MedGen C0027672, MeSH D009386, MONDO:0015356.
Renal cell carcinoma. Identifiers: Orphanet 217071, MedGen C0007134, MeSH D002292, MONDO:0005086, HP:0005584.

Submissions (2):

Labcorp Genetics (formerly Invitae), Labcorp
Classification: Uncertain significance for Renal cell carcinoma. Last evaluated: 2025-03-09. Review status: criteria provided, single submitter. Criteria: Invitae Variant Classification Sherloc (09022015). Collection method: clinical testing. Allele origin: germline.
Comment: This sequence change replaces aspartic acid, which is acidic and polar, with histidine, which is basic and polar, at codon 1309 of the MET protein (p.Asp1309His). This variant is not present in population databases (gnomAD no frequency). This variant has not been reported in the literature in individuals affected with MET-related conditions. ClinVar contains an entry for this variant (Variation ID: 2900746). Invitae Evidence Modeling of protein sequence and biophysical properties (such as structural, functional, and spatial information, amino acid conservation, physicochemical variation, residue mobility, and thermodynamic stability) indicates that this missense variant is expected to disrupt MET protein function with a positive predictive value of 80%. In summary, the available evidence is currently insufficient to determine the role of this variant in disease. Therefore, it has been classified as a Variant of Uncertain Significance.

Ambry Genetics
Classification: Uncertain significance for Hereditary cancer-predisposing syndrome. Last evaluated: 2025-01-06. Review status: criteria provided, single submitter. Criteria: Ambry Variant Classification Scheme 2023. Collection method: clinical testing. Allele origin: germline.
Comment: The p.D1309H variant (also known as c.3925G>C), located in coding exon 19 of the MET gene, results from a G to C substitution at nucleotide position 3925. The aspartic acid at codon 1309 is replaced by histidine, an amino acid with similar properties. This amino acid position is conserved. In addition, this alteration is predicted to be deleterious by in silico analysis. Based on the available evidence, the clinical significance of this variant remains unclear.

NM_000245.4(MET):c.3871G>C (p.Asp1291His)

Gene: MET (MET proto-oncogene, receptor tyrosine kinase; plus strand). Cytogenetic location: 7q31.2.
Variant type: single nucleotide variant.
Coding change: c.3871G>C on transcript NM_000245.4 (MANE Select); coding-DNA position 3871, G replaced by C.
Protein change: p.Asp1291His; replaces aspartic acid 1291 with histidine.
Molecular consequence: missense variant.
Genome position (GRCh38, 1-based): chr7:116,795,727, G>C. VCF-style: chr7-116795727-G-C. GRCh37 (hg19) VCF-style: chr7-116435781-G-C.
Other names: c.3925G>C, p.Asp1309His (NM_001127500.3); c.2581G>C, p.Asp861His (NM_001324402.2); short protein forms D1291H, D1309H, D861H.
Identifiers: ClinVar variation 2900746 (VCV002900746.4), dbSNP rs2117108335, ClinGen allele CA369117879.